The following is an entry in ClinVar:

ClinVar aggregate classification (germline): Uncertain significance (1 of 4 stars; one submission).

Conditions:
Cutis laxa, autosomal dominant 3 (ADCL3). Identifiers: Orphanet 90348, MedGen C4225268, MONDO:0014706, OMIM 616603.

Submission:

Centre for Mendelian Genomics, University Medical Centre Ljubljana
Classification: Uncertain significance for Cutis laxa, autosomal dominant 3. Last evaluated: 2016-01-01. Review status: criteria provided, single submitter. Criteria: ACMG Guidelines, 2015. Collection method: clinical testing. Allele origin: unknown. Affected: yes.
Comment: This variant was classified as: Uncertain significance. The following ACMG criteria were applied in classifying this variant: PM2,PP3.

NM_002860.4(ALDH18A1):c.2159T>C (p.Phe720Ser)

Gene: ALDH18A1 (aldehyde dehydrogenase 18 family member A1; minus strand). Cytogenetic location: 10q24.1.
Variant type: single nucleotide variant.
Coding change: c.2159T>C on transcript NM_002860.4 (MANE Select); coding-DNA position 2159, T replaced by C.
Protein change: p.Phe720Ser; replaces phenylalanine 720 with serine.
Molecular consequence: missense variant.
Genome position (GRCh38, 1-based): chr10:95,610,244, A>G on the plus strand (T>C on the coding strand, the complement: ALDH18A1 is on the minus strand). VCF-style: chr10-95610244-A-G. GRCh37 (hg19) VCF-style: chr10-97370001-A-G.
Other names: c.2153T>C, p.Phe718Ser (NM_001017423.2, NM_001323415.2); c.1826T>C, p.Phe609Ser (NM_001323412.2, NM_001323416.2); c.2159T>C, p.Phe720Ser (NM_001323413.2, NM_001323414.2); c.2054T>C, p.Phe685Ser (NM_001323417.2); c.1820T>C, p.Phe607Ser (NM_001323418.2); c.1523T>C, p.Phe508Ser (NM_001323419.2); short protein forms F609S, F718S, F508S, F720S, F607S, F685S.
Identifiers: ClinVar variation 931997 (VCV000931997.3), dbSNP rs2097831271, ClinGen allele CA377699658.
Genomic context (GRCh38, chr10:95,610,244, plus strand): 5'-GAGTCTTTCTTACCCAGTCCAAAGCGGTAACCATCAGAAAAGCGAGTGCTGGCATTCCAG[A>G]ACACACAGGCACTGTCTACGTGCTGCAGGAAGAACTCCGCTGTGTTTTCTGCAGGGTGAA-3'
Protein context (NP_002851.2, residues 710-730): FLQHVDSACV[Phe720Ser]WNASTRFSDG